The following is an entry in ClinVar:

NM_021870.3(FGG):c.702G>T (p.Trp234Cys)

Gene: FGG (fibrinogen gamma chain; minus strand). Cytogenetic location: 4q32.1.
Variant type: single nucleotide variant.
Coding change: c.702G>T on transcript NM_021870.3 (MANE Select); coding-DNA position 702, G replaced by T.
Protein change: p.Trp234Cys; replaces tryptophan 234 with cysteine.
Molecular consequence: missense variant.
Genome position (GRCh38, 1-based): chr4:154,608,615, C>A on the plus strand (G>T on the coding strand, the complement: FGG is on the minus strand). VCF-style: chr4-154608615-C-A. GRCh37 (hg19) VCF-style: chr4-155529767-C-A.
Other names: c.702G>T, p.Trp234Cys (NM_000509.6); short protein forms W234C.
Identifiers: ClinVar variation 3382956 (VCV003382956.4).
Genomic context (GRCh38, chr4:154,608,615, plus strand): 5'-CAGCCAAAATTCTGTTGTGCCAGTAGGAGACAGATGTCCAAATCCTTCTTTATATTGAAT[C>A]CAGTTTTTCTTGAAATCTACACTGCCATCAAGTCTCTAATTACACATTTGCAAGAGCAAA-3'
Protein context (NP_068656.2, residues 224-244): LDGSVDFKKN[Trp234Cys]IQYKEGFGHL

ClinVar aggregate classification (germline): Uncertain significance. Review status: criteria provided, multiple submitters, no conflicts (2 of 4 stars). 2 submissions from 2 submitters: Uncertain significance (2). Last evaluated 2024-11-27.

Conditions:
Familial dysfibrinogenemia. Also called: Dysfibrinogenemia, congenital. Identifiers: Orphanet 335, Orphanet 98881, MedGen C0272350, MONDO:0014452, OMIM 616004.
Congenital afibrinogenemia. Identifiers: Orphanet 335, Orphanet 98880, MedGen C2584774, MONDO:0008737, OMIM 202400.

Submissions (2):

Reproductive Medicine Center, The First Hospital of Lanzhou University
Classification: Uncertain significance for Familial dysfibrinogenemia. Last evaluated: 2024-11-27. Review status: criteria provided, single submitter. Criteria: ACMG Guidelines, 2015. Collection method: research. Allele origin: germline. Affected: yes. Observed: 2 variant alleles.
Comment: This mutation has not been reported in the literature and is not included in the East Asian general population database of gnomAD. According to the relevant guidelines of the ACMG, this variant was assessed as a variant of uncertain significance. Multiple statistical methods predicted that this variant would have harmful effects on the gene or its product. Our experiments also confirmed that this variant does cause Congenital hypofibrinogenaemia.

Juno Genomics, Hangzhou Juno Genomics, Inc
Classification: Uncertain significance for Congenital afibrinogenemia; Familial dysfibrinogenemia. Review status: criteria provided, single submitter. Criteria: ACMG Guidelines, 2015. Collection method: clinical testing. Allele origin: germline. Affected: yes.
Comment: Absent from controls (or at extremely low frequency if recessive) in Genome Aggregation Database, Exome Sequencing Project, 1000 Genomes Project, or Exome Aggregation Consortium.;Multiple lines of computational evidence support a deleterious effect on the gene or gene product (conservation, evolutionary, splicing impact, etc).;Patient's phenotype or family history is highly specific for a disease with a single genetic etiology.